The following is an entry in ClinVar:

NM_001037.5(SCN1B):c.448+131G>C

Gene: SCN1B (sodium voltage-gated channel beta subunit 1; plus strand). Cytogenetic location: 19q13.11.
Variant type: single nucleotide variant.
Coding change: c.448+131G>C on transcript NM_001037.5 (MANE Select); 131 bases into the intron after coding-DNA position 448, G replaced by C.
Molecular consequence: intron variant. On other transcripts: missense variant (1).
Genome position (GRCh38, 1-based): chr19:35,033,870, G>C. VCF-style: chr19-35033870-G-C. GRCh37 (hg19) VCF-style: chr19-35524774-G-C.
Other names: c.579G>C, p.Glu193Asp (NM_199037.5); c.349+131G>C (NM_001321605.2); short protein forms E193D.
Identifiers: ClinVar variation 4694237 (VCV004694237.1).

ClinVar aggregate classification (germline): Uncertain significance (1 of 4 stars; one submission).

Conditions:
Brugada syndrome 5 (BRGDA5). Identifiers: Orphanet 130, Orphanet 871, MedGen C2748541, MONDO:0013015, OMIM 612838.

gnomAD v4.1: 2 of 1,607,874 alleles (0.00012%); highest among the groups gnomAD compares: Non-Finnish European, 0.00017%; no homozygotes.

Submission:

Labcorp Genetics (formerly Invitae), Labcorp
Classification: Uncertain significance for Brugada syndrome 5. Last evaluated: 2025-04-29. Review status: criteria provided, single submitter. Criteria: Invitae Variant Classification Sherloc (09022015). Collection method: clinical testing. Allele origin: germline.
Comment: This sequence change replaces glutamic acid, which is acidic and polar, with aspartic acid, which is acidic and polar, at codon 193 of the SCN1B protein (p.Glu193Asp). This variant is not present in population databases (gnomAD no frequency). This variant has not been reported in the literature in individuals affected with SCN1B-related conditions. An algorithm developed to predict the effect of missense changes on protein structure and function (PolyPhen-2) suggests that this variant is likely to be tolerated. In summary, the available evidence is currently insufficient to determine the role of this variant in disease. Therefore, it has been classified as a Variant of Uncertain Significance.